The following is an entry in ClinVar:

NM_004991.4(MECOM):c.2614A>G (p.Ile872Val)

Gene: MECOM (MDS1 and EVI1 complex locus; minus strand). Cytogenetic location: 3q26.2.
Variant type: single nucleotide variant.
Coding change: c.2614A>G on transcript NM_004991.4 (MANE Select); coding-DNA position 2614, A replaced by G.
Protein change: p.Ile872Val; replaces isoleucine 872 with valine.
Molecular consequence: missense variant.
Genome position (GRCh38, 1-based): chr3:169,102,217, T>C on the plus strand (A>G on the coding strand, the complement: MECOM is on the minus strand). VCF-style: chr3-169102217-T-C. GRCh37 (hg19) VCF-style: chr3-168820005-T-C.
Other names: c.2245A>G, p.Ile749Val (NM_001105077.4); c.2050A>G, p.Ile684Val (NM_001105078.4, NM_001205194.2, NM_001366469.2 and 1 more transcripts); c.2026A>G, p.Ile676Val (NM_001163999.2, NM_001366470.2); c.2023A>G, p.Ile675Val (NM_001164000.2, NM_001366471.2, NM_001366472.2); c.2587A>G, p.Ile863Val (NM_001366466.2); c.2053A>G, p.Ile685Val (NM_001366467.2, NM_001366468.2); c.1615A>G, p.Ile539Val (NM_001366473.2); c.1051A>G, p.Ile351Val (NM_001366474.2); short protein forms I749V, I351V, I675V, I684V, I863V, I539V, I676V, I685V.
Identifiers: ClinVar variation 3394295 (VCV003394295.1).

ClinVar aggregate classification (germline): Uncertain significance (1 of 4 stars; one submission).

Conditions:
Inborn genetic diseases. Identifiers: MedGen C0950123, MeSH D030342.

gnomAD v4.1: 12 of 1,612,782 alleles (0.00074%); highest among the groups gnomAD compares: African/African-American, 0.0013%; no homozygotes.

Submission:

Ambry Genetics
Classification: Uncertain significance for Inborn genetic diseases. Last evaluated: 2024-11-23. Review status: criteria provided, single submitter. Criteria: Ambry Variant Classification Scheme 2023. Collection method: clinical testing. Allele origin: germline.
Comment: The p.I872V variant (also known as c.2614A>G), located in coding exon 11 of the MECOM gene, results from an A to G substitution at nucleotide position 2614. The isoleucine at codon 872 is replaced by valine, an amino acid with highly similar properties. This amino acid position is conserved. In addition, this alteration is predicted to be tolerated by in silico analysis. Based on the available evidence, the clinical significance of this variant remains unclear.